The following is an entry in ClinVar:

ClinVar aggregate classification (germline): Uncertain significance (1 of 4 stars; one submission).

Submission:

GeneDx
Classification: Uncertain significance. Last evaluated: 2025-05-16. Review status: criteria provided, single submitter. Criteria: GeneDx Variant Classification Process June 2021. Collection method: clinical testing. Allele origin: germline. Affected: yes.
Comment: Not observed at significant frequency in large population cohorts (gnomAD); In silico analysis supports that this missense variant has a deleterious effect on protein structure/function; Has not been previously published as pathogenic or benign to our knowledge

NM_001252102.2(KIF21B):c.4428G>C (p.Lys1476Asn)

Genes: KIF21B (kinesin family member 21B; minus strand), LOC126805976 (P300/CBP strongly-dependent group 1 enhancer GRCh37_chr1:200945792-200946991; plus strand). Cytogenetic location: 1q32.1.
Variant type: single nucleotide variant.
Coding change: c.4428G>C on transcript NM_001252102.2 (MANE Select); coding-DNA position 4428, G replaced by C.
Protein change: p.Lys1476Asn; replaces lysine 1476 with asparagine.
Molecular consequence: missense variant.
Genome position (GRCh38, 1-based): chr1:200,976,791, C>G on the plus strand (G>C on the coding strand, the complement: KIF21B is on the minus strand). VCF-style: chr1-200976791-C-G. GRCh37 (hg19) VCF-style: chr1-200945919-C-G.
Other names: c.4428G>C, p.Lys1476Asn (NM_001252100.2); c.4389G>C, p.Lys1463Asn (NM_001252103.2, NM_017596.4); short protein forms K1463N, K1476N.
Identifiers: ClinVar variation 4530853 (VCV004530853.1).
Genomic context (GRCh38, chr1:200,976,791, plus strand): 5'-GAGAGTGGAAGACCAGCCCCGACCCAGGCCTCATAGCTGAGGTACCTTAACGTAGTGGTC[C>G]TTGGAGCCAGTCACCACGAGGTCATGCTGGCTGGCCGTCTGGGTGACCGTCAGGCACATC-3'
Protein context (NP_001239031.1, residues 1466-1486): SQHDLVVTGS[Lys1476Asn]DHYVKMFELG